The following is an entry in ClinVar:

ClinVar aggregate classification (germline): Uncertain significance (1 of 4 stars; one submission).

Conditions:
Immunodeficiency 104. Also called: Severe combined immunodeficiency, autosomal recessive, T cell-negative, B cell-positive, NK cell-positive; SCID, AUTOSOMAL RECESSIVE, T CELL-NEGATIVE, B CELL-POSITIVE, NK CELL-POSITIVE; IMMUNODEFICIENCY 104, SEVERE COMBINED; Severe Combined Immune Deficiency, Autosomal Recessive, TCell -Negative, B Cell-Positive, NK Cell-Positive, IL7R-Related. Identifiers: MedGen C5676890, MONDO:0012163, OMIM 608971.

Allele frequency attached by ClinVar (database versions not stated): gnomAD 0.00001; gnomAD exomes 0.00001; TOPMed 0.00001; ESP Exome Variant Server 0.00008.

Submission:

Labcorp Genetics (formerly Invitae), Labcorp
Classification: Uncertain significance for Immunodeficiency 104. Last evaluated: 2021-09-01. Review status: criteria provided, single submitter. Criteria: Invitae Variant Classification Sherloc (09022015). Collection method: clinical testing. Allele origin: germline.
Comment: This sequence change replaces serine with cysteine at codon 413 of the IL7R protein (p.Ser413Cys). The serine residue is moderately conserved and there is a moderate physicochemical difference between serine and cysteine. This variant is not present in population databases (ExAC no frequency). This variant has not been reported in the literature in individuals affected with IL7R-related conditions. Algorithms developed to predict the effect of missense changes on protein structure and function are either unavailable or do not agree on the potential impact of this missense change (SIFT: "Tolerated"; PolyPhen-2: "Possibly Damaging"; Align-GVGD: "Class C15"). In summary, the available evidence is currently insufficient to determine the role of this variant in disease. Therefore, it has been classified as a Variant of Uncertain Significance.

NM_002185.5(IL7R):c.1237A>T (p.Ser413Cys)

Gene: IL7R (interleukin 7 receptor; plus strand). Cytogenetic location: 5p13.2.
Variant type: single nucleotide variant.
Coding change: c.1237A>T on transcript NM_002185.5 (MANE Select); coding-DNA position 1237, A replaced by T.
Protein change: p.Ser413Cys; replaces serine 413 with cysteine.
Molecular consequence: missense variant. On other transcripts: non-coding transcript variant (1).
Genome position (GRCh38, 1-based): chr5:35,876,343, A>T. VCF-style: chr5-35876343-A-T. GRCh37 (hg19) VCF-style: chr5-35876445-A-T.
Other names: short protein forms S413C.
Identifiers: ClinVar variation 846435 (VCV000846435.7), dbSNP rs368172701, ClinGen allele CA116976296.
Genomic context (GRCh38, chr5:35,876,343, plus strand): 5'-AGTGGCAAGAATGGGCCTCATGTGTACCAGGACCTCCTGCTTAGCCTTGGGACTACAAAC[A>T]GCACGCTGCCCCCTCCATTTTCTCTCCAATCTGGAATCCTGACATTGAACCCAGTTGCTC-3'
Protein context (NP_002176.2, residues 403-423): DLLLSLGTTN[Ser413Cys]TLPPPFSLQS